The following is an entry in ClinVar:

ClinVar aggregate classification (germline): Benign. Review status: criteria provided, multiple submitters, no conflicts (2 of 4 stars). 2 submissions from 2 submitters: Benign (2). Last evaluated 2018-06-19.

Allele frequency attached by ClinVar (database versions not stated): gnomAD exomes 0.02311; gnomAD 0.05133 and 0.05296; TOPMed 0.05161; 1000 Genomes Project 30x 0.05450; 1000 Genomes Project 0.05451.

Submissions (2):

GeneDx
Classification: Benign. Last evaluated: 2018-06-19. Review status: criteria provided, single submitter. Criteria: GeneDx Variant Classification (06012015). Collection method: clinical testing. Allele origin: germline. Affected: yes.
Comment: This variant is considered likely benign or benign based on one or more of the following criteria: it is a conservative change, it occurs at a poorly conserved position in the protein, it is predicted to be benign by multiple in silico algorithms, and/or has population frequency not consistent with disease.

Breakthrough Genomics
Classification: Benign. Review status: criteria provided, single submitter. Criteria: ACMG Guidelines, 2015. Collection method: not provided. Allele origin: germline. Inheritance: Autosomal recessive inheritance. Affected: yes.

NM_018129.4(PNPO):c.418-67G>A

Gene: PNPO (pyridoxamine 5'-phosphate oxidase; plus strand). Cytogenetic location: 17q21.32.
Variant type: single nucleotide variant.
Coding change: c.418-67G>A on transcript NM_018129.4 (MANE Select); 67 bases into the intron before coding-DNA position 418, G replaced by A.
Molecular consequence: intron variant.
Genome position (GRCh38, 1-based): chr17:47,945,794, G>A. VCF-style: chr17-47945794-G-A. GRCh37 (hg19) VCF-style: chr17-46023160-G-A.
Identifiers: ClinVar variation 670919 (VCV000670919.2), dbSNP rs73985445, ClinGen allele CA14405161.